The following is an entry in ClinVar:

NM_003285.3(TNR):c.2991C>T (p.Ile997=)

Gene: TNR (tenascin R; minus strand). Cytogenetic location: 1q25.1.
Variant type: single nucleotide variant.
Coding change: c.2991C>T on transcript NM_003285.3 (MANE Select); coding-DNA position 2991, C replaced by T.
Protein change: p.Ile997=; no amino-acid change (isoleucine 997 retained).
Molecular consequence: synonymous variant.
Genome position (GRCh38, 1-based): chr1:175,356,446, G>A on the plus strand (C>T on the coding strand, the complement: TNR is on the minus strand). VCF-style: chr1-175356446-G-A. GRCh37 (hg19) VCF-style: chr1-175325582-G-A.
Other names: c.1992C>T, p.Ile664= (NM_001328635.2).
Identifiers: ClinVar variation 2639573 (VCV002639573.24), dbSNP rs1351898155, ClinGen allele CA422134790.

ClinVar aggregate classification (germline): Likely benign (1 of 4 stars; one submission).

gnomAD v4.1: 3 of 1,613,996 alleles (0.00019%); highest among the groups gnomAD compares: Non-Finnish European, 0.00025%; no homozygotes.

Submission:

CeGaT Center for Human Genetics Tuebingen
Classification: Likely benign. Last evaluated: 2022-10-01. Review status: criteria provided, single submitter. Criteria: CeGaT Center For Human Genetics Tuebingen Variant Classification Criteria Version 2. Collection method: clinical testing. Allele origin: germline. Affected: yes. Observed: 1 variant allele.
Comment: TNR: PM2:Supporting, BP4, BP7